The following is an entry in ClinVar:

NM_002890.3(RASA1):c.281_298dup (p.Ala99_Ala100insGlyValAlaGlyAlaAla)

Gene: RASA1 (RAS p21 protein activator 1; plus strand). Cytogenetic location: 5q14.3.
Variant type: Duplication.
Coding change: c.281_298dup on transcript NM_002890.3 (MANE Select); coding-DNA positions 281 to 298, 18 bases duplicated (GCGTAGCTGGTGCTGCTG).
Protein change: p.Ala99_Ala100insGlyValAlaGlyAlaAla.
Molecular consequence: inframe insertion.
Genome position (GRCh38, 1-based): chr5:87,268,732-87,268,749, GCGTAGCTGGTGCTGCTG duplicated; duplicating any 18 consecutive bases within chr5:87,268,724-87,268,749 gives the same sequence; the c. name uses the placement nearest the transcript's 3' end. VCF-style (leftmost placement, unchanged base first): chr5-87268723-C-CTGCTGCTGGCGTAGCTGG. GRCh37 (hg19) VCF-style: chr5-86564540-C-CTGCTGCTGGCGTAGCTGG.
Identifiers: ClinVar variation 4711685 (VCV004711685.1).

ClinVar aggregate classification (germline): Uncertain significance (1 of 4 stars; one submission).

Conditions:
Capillary malformation-arteriovenous malformation syndrome. Also called: Capillary malformation-arteriovenous malformation. Identifiers: Orphanet 137667, MedGen C1842180, MONDO:0012016.

Submission:

Labcorp Genetics (formerly Invitae), Labcorp
Classification: Uncertain significance for Capillary malformation-arteriovenous malformation syndrome. Last evaluated: 2026-01-12. Review status: criteria provided, single submitter. Criteria: Invitae Variant Classification Sherloc (09022015). Collection method: clinical testing. Allele origin: germline.
Comment: This variant, c.281_298dup, results in the insertion of 6 amino acid(s) of the RASA1 protein (p.Gly94_Ala99dup), but otherwise preserves the integrity of the reading frame. This variant is not present in population databases (gnomAD no frequency). This variant has not been reported in the literature in individuals affected with RASA1-related conditions. In summary, the available evidence is currently insufficient to determine the role of this variant in disease. Therefore, it has been classified as a Variant of Uncertain Significance.